The following is an entry in ClinVar:

NM_001370259.2(MEN1):c.216_217insA (p.Gly73fs)

Gene: MEN1 (menin 1; minus strand). Cytogenetic location: 11q13.1.
Variant type: Insertion.
Coding change: c.216_217insA on transcript NM_001370259.2 (MANE Select); coding-DNA positions 216 to 217, A inserted.
Protein change: p.Gly73fs; shifts the reading frame from glycine 73.
Molecular consequence: frameshift variant.
Genome position: GRCh38 VCF-style: chr11-64809893-C-CT. GRCh37 (hg19) VCF-style: chr11-64577365-C-CT.
Other names: c.216_217insA, p.Gly73fs (NM_000244.4, NM_001370251.2, NM_001370260.2 and 9 more transcripts); c.216_217insA, p.Gly73Argfs (NM_001407142.1, NM_001407143.1, NM_001407144.1 and 8 more transcripts); short protein forms G73fs.
Identifiers: ClinVar variation 2004172 (VCV002004172.4), dbSNP rs2497276406, ClinGen allele CA2580084431.

ClinVar aggregate classification (germline): Pathogenic (1 of 4 stars; one submission).

Conditions:
Multiple endocrine neoplasia, type 1 (MEN1). Also called: WERMER SYNDROME; Endocrine adenomatosis multiple; MEN 1; MEN I; MEA I. Identifiers: Orphanet 652, MedGen C0025267, MeSH D018761, MONDO:0007540, OMIM 131100.

Submission:

Labcorp Genetics (formerly Invitae), Labcorp
Classification: Pathogenic for Multiple endocrine neoplasia, type 1. Last evaluated: 2022-06-10. Review status: criteria provided, single submitter. Criteria: Invitae Variant Classification Sherloc (09022015). Collection method: clinical testing. Allele origin: germline.
Comment: For these reasons, this variant has been classified as Pathogenic. This variant has not been reported in the literature in individuals affected with MEN1-related conditions. This variant is not present in population databases (gnomAD no frequency). This sequence change creates a premature translational stop signal (p.Gly73Argfs*44) in the MEN1 gene. It is expected to result in an absent or disrupted protein product. Loss-of-function variants in MEN1 are known to be pathogenic (PMID: 12112656, 17853334).

Literature cited by the submitters: PubMed 12112656; PubMed 17853334.